The following is an entry in ClinVar:

NM_001059.3(TACR3):c.1373A>G (p.Tyr458Cys)

Genes: TACR3 (tachykinin receptor 3; minus strand), TACR3-AS1 (TACR3 antisense RNA 1; plus strand). Cytogenetic location: 4q24.
Variant type: single nucleotide variant.
Coding change: c.1373A>G on transcript NM_001059.3 (MANE Select); coding-DNA position 1373, A replaced by G.
Protein change: p.Tyr458Cys; replaces tyrosine 458 with cysteine.
Molecular consequence: missense variant.
Genome position (GRCh38, 1-based): chr4:103,589,707, T>C on the plus strand (A>G on the coding strand, the complement: TACR3 is on the minus strand). VCF-style: chr4-103589707-T-C. GRCh37 (hg19) VCF-style: chr4-104510864-T-C.
Other names: short protein forms Y458C.
Identifiers: ClinVar variation 2134606 (VCV002134606.4), dbSNP rs1723849531, ClinGen allele CA357962397.
Genomic context (GRCh38, chr4:103,589,707, plus strand): 5'-GGTCTCACACTAATCTTTTACCTCAGGAAATGGAATTAAGAATATTCATCCACAGAGGTA[T>C]AGGGTGAGCTTATGAAACTTGAAGTGGCGGAGGCAGATTTGGAATTCCTGCGAGAGCAGC-3'
Protein context (NP_001050.1, residues 448-465): SATSSFISSP[Tyr458Cys]TSVDEYS

ClinVar aggregate classification (germline): Uncertain significance (1 of 4 stars; one submission).

Allele frequency attached by ClinVar (database versions not stated): TOPMed below 0.00001.

Submission:

Labcorp Genetics (formerly Invitae), Labcorp
Classification: Uncertain significance. Last evaluated: 2022-05-06. Review status: criteria provided, single submitter. Criteria: Invitae Variant Classification Sherloc (09022015). Collection method: clinical testing. Allele origin: germline.
Comment: Algorithms developed to predict the effect of missense changes on protein structure and function are either unavailable or do not agree on the potential impact of this missense change (SIFT: "Deleterious"; PolyPhen-2: "Benign"; Align-GVGD: "Class C0"). This variant has not been reported in the literature in individuals affected with TACR3-related conditions. This variant is not present in population databases (gnomAD no frequency). This sequence change replaces tyrosine, which is neutral and polar, with cysteine, which is neutral and slightly polar, at codon 458 of the TACR3 protein (p.Tyr458Cys). In summary, the available evidence is currently insufficient to determine the role of this variant in disease. Therefore, it has been classified as a Variant of Uncertain Significance.